The following is an entry in ClinVar:

ClinVar aggregate classification (germline): Likely pathogenic. Review status: reviewed by expert panel (3 of 4 stars). 4 submissions from 4 submitters: Likely pathogenic (1). 3 of the submissions do not count toward it. Last evaluated 2026-04-30.

Conditions:
Miyoshi muscular dystrophy 1 (MMD1). Identifiers: Orphanet 45448, MedGen C4551973, MONDO:0024545, OMIM 254130.
Autosomal recessive limb-girdle muscular dystrophy. Identifiers: Orphanet 102015, MedGen C2931907, MONDO:0015152.

Allele frequency attached by ClinVar (database versions not stated): gnomAD exomes below 0.00001.
gnomAD v4.1: 2 of 1,613,834 alleles (0.00012%); highest among the groups gnomAD compares: Admixed American, 0.0017%; no homozygotes.

Submissions (4):

ClinGen Limb Girdle Muscular Dystrophy Variant Curation Expert Panel, ClinGen
Classification: Likely pathogenic for Autosomal recessive limb-girdle muscular dystrophy. Last evaluated: 2026-04-30. Review status: reviewed by expert panel. Criteria: ClinGen LGMD VCEP ACMG Specifications DYSF V2.0.0. Collection method: curation. Allele origin: germline. Inheritance: Autosomal recessive inheritance.
Comment: The NM_003494.4: c.2641A>C variant in DYSF, which is also known as NM_001130987.2: c.2695A>C p.(Thr899Pro), is a missense variant predicted to cause substitution of threonine to proline at amino acid 881, p.(Thr881Pro). This variant has been observed in at least three individuals with suspected LGMD, including with a second pathogenic variant in unknown phase in two patients (NM_003494.4: c.907-3C>A, 0.5 pts, PMID: 24488599; c.4756C>T p.(Arg1586Ter), 0.5 pts, PMID: 30564623; LOVD Individual #00221032; PM3). At least one patient with this variant and a second pathogenic DYSF variant had both clinical features of LGMD and absent dysferlin expression in muscle or blood monocytes, which is highly specific for DYSF-related LGMD (PMID: 33927379, 24488599; PP4_Strong). The highest population allele frequency for this variant in gnomAD v4.1.0 is 0.00001667 (1/59986 Admixed American chromosomes), which is less than the threshold of 0.0001 for PM2_Supporting, meeting this criterion (PM2_Supporting). The computational predictor REVEL gives a score of 0.74, which is above the LGMD VCEP threshold of ≥0.70, evidence that correlates with impact to DYSF function (PP3). This variant affects the last amino acid of exon 25, at the -3 position of the splice donor. Splice AI does not predict it will affect splicing, though a mini-gene assay has demonstrated that it results in partial skipping of exon 25, causing an in-frame deletion (PMID: 25312915; PVS1_RNA_Moderate not met). Immunofluorescence and 2-A assays of dysferlin membrane localization in HEK293T cells showed conflicting results for the Thr881Pro protein, which was classified as functional by 2-A assay but non-functional by immunofluorescence assay (PMID: 35028538; PS3_Moderate not met). In summary, this variant is classified as Likely Pathogenic for autosomal recessive limb girdle muscular dystrophy based on the ACMG/AMP criteria applied, as specified by the ClinGen LGMD VCEP (specifications v2.0.0; 04/30/2026): PM3, PP4_Strong, PP3, PM2_Supporting.

Women's Health and Genetics/Laboratory Corporation of America, LabCorp
Classification: Likely pathogenic for Autosomal recessive limb-girdle muscular dystrophy. Last evaluated: 2024-10-21. Review status: criteria provided, single submitter. Criteria: LabCorp Variant Classification Summary - May 2015. Collection method: clinical testing. Allele origin: germline. Not counted in ClinVar's aggregate classification.
Comment: Variant summary: DYSF c.2641A>C (p.Thr881Pro) results in a non-conservative amino acid change located in the Peroxin/Ferlin domain (IPR006614) of the encoded protein sequence. Five of five in-silico tools predict a damaging effect of the variant on protein function. The variant is also within the exonic splice region of Intron 54. Consensus agreement among computation tools predict no significant impact on normal splicing. However, at least one publication reports experimental evidence that this variant affects mRNA splicing by skipping the adjacent coding exon in a minigene assay (Kergourlay_2014). The variant was absent in 251490 control chromosomes. c.2641A>C has been reported in the literature in at-least one individual affected with AR dysferlinopathies (example, Ankala_2014). The following publications have been ascertained in the context of this evaluation (PMID: 24488599, 33927379, 25312915). No submitters have cited clinical-significance assessments for this variant to ClinVar. Based on the evidence outlined above, the variant was classified as likely pathogenic.

Revvity Omics, Revvity
Classification: Likely pathogenic. Last evaluated: 2024-02-08. Review status: criteria provided, single submitter. Criteria: ACMG Guidelines, 2015. Collection method: clinical testing. Allele origin: germline. Not counted in ClinVar's aggregate classification.

Baylor Genetics
Classification: Likely pathogenic for Miyoshi muscular dystrophy 1. Last evaluated: 2023-05-20. Review status: criteria provided, single submitter. Criteria: ACMG Guidelines, 2015. Collection method: clinical testing. Allele origin: unknown. Not counted in ClinVar's aggregate classification.

Literature cited by the submitters: PubMed 25312915 (cited by Women's Health and Genetics/Laboratory Corporation of America, LabCorp); PubMed 33927379 (cited by Women's Health and Genetics/Laboratory Corporation of America, LabCorp); PubMed 24488599 (cited by Women's Health and Genetics/Laboratory Corporation of America, LabCorp).

NM_001130987.2(DYSF):c.2695A>C (p.Thr899Pro)

Gene: DYSF (dysferlin; plus strand). Cytogenetic location: 2p13.2.
Variant type: single nucleotide variant.
Coding change: c.2695A>C on transcript NM_001130987.2 (MANE Select); coding-DNA position 2695, A replaced by C.
Protein change: p.Thr899Pro; replaces threonine 899 with proline.
Molecular consequence: missense variant.
Genome position (GRCh38, 1-based): chr2:71,568,080, A>C. VCF-style: chr2-71568080-A-C. GRCh37 (hg19) VCF-style: chr2-71795210-A-C.
Other names: NM_001130987.2(DYSF):c.2695A>C; p.Thr899Pro; c.2644A>C, p.Thr882Pro (NM_001130455.2, NM_001130983.2); c.2599A>C, p.Thr867Pro (NM_001130976.2, NM_001130977.2); c.2641A>C, p.Thr881Pro (NM_001130978.2, NM_003494.4); c.2734A>C, p.Thr912Pro (NM_001130979.2); c.2692A>C, p.Thr898Pro (NM_001130980.2, NM_001130981.2); c.2737A>C, p.Thr913Pro (NM_001130982.2); and 3 more; short protein forms T867P, T868P, T881P, T882P, T898P, T899P, T912P, T913P.
Identifiers: ClinVar variation 2674980 (VCV002674980.4), dbSNP rs1574042462, ClinGen allele CA347214045.